The following is an entry in ClinVar:

ClinVar aggregate classification (germline): Uncertain significance (1 of 4 stars; one submission).

Submission:

Ambry Genetics
Classification: Uncertain significance. Last evaluated: 2026-02-27. Review status: criteria provided, single submitter. Criteria: Ambry Variant Classification Scheme 2023. Collection method: clinical testing. Allele origin: germline.
Comment: The c.632A>G (p.Q211R) alteration is located in exon 1 (coding exon 1) of the KRTAP10-6 gene. This alteration results from a A to G substitution at nucleotide position 632, causing the glutamine (Q) at amino acid position 211 to be replaced by an arginine (R). Based on data from gnomAD, the G allele has an overall frequency of 0.001% (3/282106) total alleles studied. The highest observed frequency was 0.006% (2/35422) of Latino alleles. Based on insufficient or conflicting evidence, the clinical significance of this alteration remains unclear.

NM_198688.3(KRTAP10-6):c.632A>G (p.Gln211Arg)

Genes: KRTAP10-6 (keratin associated protein 10-6; minus strand), TSPEAR (thrombospondin type laminin G domain and EAR repeats; minus strand). Cytogenetic location: 21q22.3.
Variant type: single nucleotide variant.
Coding change: c.632A>G on transcript NM_198688.3 (MANE Select); coding-DNA position 632, A replaced by G.
Protein change: p.Gln211Arg; replaces glutamine 211 with arginine.
Molecular consequence: missense variant. On other transcripts: intron variant (2).
Genome position (GRCh38, 1-based): chr21:44,591,853, T>C on the plus strand (A>G on the coding strand, the complement: KRTAP10-6 is on the minus strand). VCF-style: chr21-44591853-T-C. GRCh37 (hg19) VCF-style: chr21-46011734-T-C.
Other names: c.83-23848A>G (NM_144991.3); c.-122-23848A>G (NM_001272037.2); short protein forms Q211R.
Identifiers: ClinVar variation 4840735 (VCV004840735.1).